The following is an entry in ClinVar:

NM_001377.3(DYNC2H1):c.6478-17C>T

Gene: DYNC2H1 (dynein cytoplasmic 2 heavy chain 1; plus strand). Cytogenetic location: 11q22.3.
Variant type: single nucleotide variant.
Coding change: c.6478-17C>T on transcript NM_001377.3 (MANE Select); 17 bases into the intron before coding-DNA position 6478, C replaced by T.
Molecular consequence: intron variant.
Genome position (GRCh38, 1-based): chr11:103,184,879, C>T. VCF-style: chr11-103184879-C-T. GRCh37 (hg19) VCF-style: chr11-103055608-C-T.
Other names: c.6478-17C>T (NM_001080463.2).
Identifiers: ClinVar variation 676011 (VCV000676011.21), dbSNP rs61899765, ClinGen allele CA6253984.

ClinVar aggregate classification (germline): Benign/Likely benign. Review status: criteria provided, multiple submitters, no conflicts (2 of 4 stars). 7 submissions from 7 submitters: Benign (4); Likely benign (1). 2 of the submissions do not count toward it. Last evaluated 2026-01-28.

Conditions:
Jeune thoracic dystrophy. Also called: Jeune syndrome; Infantile thoracic dystrophy; Thoracic pelvic phalangeal dystrophy; Jeune's syndrome; Chondroectodermal dysplasia-like syndrome; Short-rib thoracic dysplasia. Identifiers: Orphanet 474, MedGen C0265275, MONDO:0018770.
Asphyxiating thoracic dystrophy 3. Also called: Saldino-Noonan Syndrome; SHORT-RIB THORACIC DYSPLASIA 3 WITH OR WITHOUT POLYDACTYLY; Short rib polydactyly syndrome 2B; SHORT-RIB THORACIC DYSPLASIA 3/6 WITH POLYDACTYLY, DIGENIC; POLYDACTYLY WITH NEONATAL CHONDRODYSTROPHY, TYPE I. Identifiers: Orphanet 474, Orphanet 93269, Orphanet 93270, Orphanet 93271, MedGen C0036069, MONDO:0013127, OMIM 613091.

Allele frequency attached by ClinVar (database versions not stated): 1000 Genomes Project 30x 0.00390; 1000 Genomes Project 0.00419; TOPMed 0.00165; gnomAD 0.00172 and 0.00212; ESP Exome Variant Server 0.00201; gnomAD exomes 0.00306 and 0.00330; ExAC 0.00355.
gnomAD v4.1: 4,796 of 1,608,658 alleles (0.3%); highest among the groups gnomAD compares: South Asian, 1.5%; 27 homozygotes.

Submissions (7):

Labcorp Genetics (formerly Invitae), Labcorp
Classification: Benign for Jeune thoracic dystrophy. Last evaluated: 2026-01-28. Review status: criteria provided, single submitter. Criteria: Invitae Variant Classification Sherloc (09022015). Collection method: clinical testing. Allele origin: germline.

Blueprint Genetics
Classification: Likely benign. Last evaluated: 2024-11-26. Review status: criteria provided, single submitter. Criteria: ACMG Guidelines, 2015. Collection method: clinical testing. Allele origin: germline.

ARUP Laboratories, Molecular Genetics and Genomics, ARUP Laboratories
Classification: Benign for Asphyxiating thoracic dystrophy 3. Last evaluated: 2023-11-01. Review status: criteria provided, single submitter. Criteria: ARUP Molecular Germline Variant Investigation Process 2024. Collection method: clinical testing. Allele origin: germline.

GeneDx
Classification: Benign. Last evaluated: 2018-03-15. Review status: criteria provided, single submitter. Criteria: GeneDx Variant Classification (06012015). Collection method: clinical testing. Allele origin: germline. Affected: yes.
Comment: This variant is considered likely benign or benign based on one or more of the following criteria: it is a conservative change, it occurs at a poorly conserved position in the protein, it is predicted to be benign by multiple in silico algorithms, and/or has population frequency not consistent with disease.

Breakthrough Genomics
Classification: Benign. Review status: criteria provided, single submitter. Criteria: ACMG Guidelines, 2015. Collection method: not provided. Allele origin: germline. Inheritance: Autosomal recessive inheritance. Affected: yes.

Clinical Genetics DNA and cytogenetics Diagnostics Lab, Erasmus MC, Erasmus Medical Center
Classification: Benign. Review status: no assertion criteria provided. Collection method: clinical testing. Allele origin: germline. Affected: yes. Study: VKGL Data-share Consensus. Not counted in ClinVar's aggregate classification.

Genome Diagnostics Laboratory, University Medical Center Utrecht
Classification: Likely benign. Review status: no assertion criteria provided. Collection method: clinical testing. Allele origin: germline. Affected: yes. Study: VKGL Data-share Consensus. Not counted in ClinVar's aggregate classification.